The following is an entry in ClinVar:

ClinVar aggregate classification (germline): Uncertain significance (1 of 4 stars; one submission).

Conditions:
Developmental and epileptic encephalopathy, 8 (DEE8). Also called: HYPEREKPLEXIA AND EPILEPSY. Identifiers: Orphanet 163985, Orphanet 2076, MedGen C1845102, MONDO:0010375, OMIM 300607.

Submission:

Labcorp Genetics (formerly Invitae), Labcorp
Classification: Uncertain significance for Developmental and epileptic encephalopathy, 8. Last evaluated: 2022-03-02. Review status: criteria provided, single submitter. Criteria: Invitae Variant Classification Sherloc (09022015). Collection method: clinical testing. Allele origin: germline.
Comment: In summary, the available evidence is currently insufficient to determine the role of this variant in disease. Therefore, it has been classified as a Variant of Uncertain Significance. Experimental studies and prediction algorithms are not available or were not evaluated, and the functional significance of this variant is currently unknown. This variant has not been reported in the literature in individuals affected with ARHGEF9-related conditions. This variant results in a copy number gain of the genomic region encompassing exon(s) 1-6 of the ARHGEF9 gene. This region includes the initiator codon of the gene. This copy number gain extends beyond the assayed region for this gene and therefore may encompass additional genes. As the precise location of this event is unknown, it may be in tandem or it may be located elsewhere in the genome.

NC_000023.10:g.(?_62893898)_(63005025_?)dup

Gene: ARHGEF9 (Cdc42 guanine nucleotide exchange factor 9; minus strand). Cytogenetic location: Xq11.1-11.2.
Variant type: Duplication.
Identifiers: ClinVar variation 1446923 (VCV001446923.7).